The following is an entry in ClinVar:

ClinVar aggregate classification (germline): Benign/Likely benign. Review status: criteria provided, multiple submitters, no conflicts (2 of 4 stars). 11 submissions from 11 submitters: Benign (10); Likely benign (1). Last evaluated 2026-02-04.

Conditions:
Symmetrical dyschromatosis of extremities (DSH). Also called: Dyschromatosis symmetrica hereditaria; DYSCHROMATOSIS SYMMETRICA HEREDITARIA 1; RETICULATE ACROPIGMENTATION OF DOHI; SYMMETRIC DYSCHROMATOSIS OF THE EXTREMITIES. Identifiers: Orphanet 41, MedGen C0406775, MONDO:0007483, OMIM 127400.
Aicardi-Goutieres syndrome 6 (AGS6). Identifiers: Orphanet 51, MedGen C3539013, MONDO:0014007, OMIM 615010.

Allele frequency attached by ClinVar (database versions not stated): ExAC 0.25842; ESP Exome Variant Server 0.27916; gnomAD 0.27978 and 0.27999; TOPMed 0.28832; 1000 Genomes Project 0.30471; 1000 Genomes Project 30x 0.30887.
gnomAD v4.1: 365,548 of 1,608,580 alleles (23%); highest among the groups gnomAD compares: African/African-American, 43%; 44,515 homozygotes.

Submissions (11):

Labcorp Genetics (formerly Invitae), Labcorp
Classification: Benign for Aicardi-Goutieres syndrome 6; Symmetrical dyschromatosis of extremities. Last evaluated: 2026-02-04. Review status: criteria provided, single submitter. Criteria: Invitae Variant Classification Sherloc (09022015). Collection method: clinical testing. Allele origin: germline.

Women's Health and Genetics/Laboratory Corporation of America, LabCorp
Classification: Benign. Last evaluated: 2026-01-21. Review status: criteria provided, single submitter. Criteria: LabCorp Variant Classification Summary - May 2015. Collection method: clinical testing. Allele origin: germline.

Blueprint Genetics
Classification: Likely benign. Last evaluated: 2024-11-26. Review status: criteria provided, single submitter. Criteria: ACMG Guidelines, 2015. Collection method: clinical testing. Allele origin: germline.

Unidad de Genómica Garrahan, Hospital de Pediatría Garrahan
Classification: Benign. Last evaluated: 2023-11-12. Review status: criteria provided, single submitter. Criteria: ACMG Guidelines, 2015. Collection method: clinical testing. Allele origin: germline. Affected: no. Observed: 44 variant alleles.
Comment: This variant is classified as Benign based on local population frequency. This variant was detected in 46% of patients studied by a panel of primary immunodeficiencies. Number of patients: 44. Only high quality variants are reported.

Genome-Nilou Lab
Classification: Benign for Aicardi-Goutieres syndrome 6. Last evaluated: 2023-04-11. Review status: criteria provided, single submitter. Criteria: ACMG Guidelines, 2015. Collection method: clinical testing. Allele origin: germline. Affected: no.

Mayo Clinic Laboratories, Mayo Clinic
Classification: Benign. Last evaluated: 2022-09-06. Review status: criteria provided, single submitter. Criteria: ACMG Guidelines, 2015. Collection method: clinical testing. Allele origin: germline. Observed: 178 variant alleles.

GeneDx
Classification: Benign. Last evaluated: 2018-07-05. Review status: criteria provided, single submitter. Criteria: GeneDx Variant Classification Process June 2021. Collection method: clinical testing. Allele origin: germline. Affected: yes.

Illumina Laboratory Services, Illumina
Classification: Benign for Symmetrical dyschromatosis of extremities. Last evaluated: 2018-01-13. Review status: criteria provided, single submitter. Criteria: ICSL Variant Classification Criteria 13 December 2019. Collection method: clinical testing. Allele origin: germline.
Comment: This variant was observed in the ICSL laboratory as part of a predisposition screen in an ostensibly healthy population. It had not been previously curated by ICSL or reported in the Human Gene Mutation Database (HGMD: prior to June 1st, 2018), and was therefore a candidate for classification through an automated scoring system. Utilizing variant allele frequency, disease prevalence and penetrance estimates, and inheritance mode, an automated score was calculated to assess if this variant is too frequent to cause the disease. Based on the score and internal cut-off values, a variant classified as benign is not then subjected to further curation. The score for this variant resulted in a classification of benign for this disease.

Eurofins Ntd Llc (ga)
Classification: Benign. Last evaluated: 2015-05-22. Review status: criteria provided, single submitter. Criteria: EGL Classification Definitions 2015. Collection method: clinical testing. Allele origin: germline. Observed: 1 variant allele, 1 homozygote.

Breakthrough Genomics
Classification: Benign. Review status: criteria provided, single submitter. Criteria: ACMG Guidelines, 2015. Collection method: not provided. Allele origin: germline. Inheritance: Autosomal recessive inheritance. Affected: yes.

PreventionGenetics, part of Exact Sciences
Classification: Benign. Review status: criteria provided, single submitter. Criteria: ACMG Guidelines, 2015. Collection method: clinical testing. Allele origin: germline.

NM_001111.5(ADAR):c.15+10G>T

Genes: ADAR (adenosine deaminase RNA specific; minus strand), LOC129931512 (ATAC-STARR-seq lymphoblastoid silent region 1364; plus strand). Cytogenetic location: 1q21.3.
Variant type: single nucleotide variant.
Coding change: c.15+10G>T on transcript NM_001111.5 (MANE Select); 10 bases into the intron after coding-DNA position 15, G replaced by T.
Molecular consequence: intron variant.
Genome position (GRCh38, 1-based): chr1:154,607,982, C>A on the plus strand (G>T on the coding strand, the complement: ADAR is on the minus strand). VCF-style: chr1-154607982-C-A. GRCh37 (hg19) VCF-style: chr1-154580458-C-A.
Other names: p.?; c.15+10G>T (LRG_1212t1, NM_015841.4, NM_015840.4); c.-734-5356G>T (NM_001365046.1); c.43-5356G>T (NM_001365045.1); c.-870-5356G>T (NM_001025107.3); c.-871+769G>T (NM_001365048.1); c.-735+10G>T (NM_001365049.1, NM_001365047.1).
Identifiers: ClinVar variation 193166 (VCV000193166.29), dbSNP rs58655370, ClinGen allele CA200371.